The following is an entry in ClinVar:

NM_001378778.1(MPDZ):c.1701A>G (p.Ile567Met)

Gene: MPDZ (multiple PDZ domain crumbs cell polarity complex component; minus strand). Cytogenetic location: 9p23.
Variant type: single nucleotide variant.
Coding change: c.1701A>G on transcript NM_001378778.1 (MANE Select); coding-DNA position 1701, A replaced by G.
Protein change: p.Ile567Met; replaces isoleucine 567 with methionine.
Molecular consequence: missense variant.
Genome position (GRCh38, 1-based): chr9:13,193,269, T>C on the plus strand (A>G on the coding strand, the complement: MPDZ is on the minus strand). VCF-style: chr9-13193269-T-C. GRCh37 (hg19) VCF-style: chr9-13193268-T-C.
Other names: c.1701A>G, p.Ile567Met (NM_001261406.2, NM_001261407.2, NM_001330637.2 and 14 more transcripts); short protein forms I567M.
Identifiers: ClinVar variation 1378113 (VCV001378113.6), dbSNP rs1334152466, ClinGen allele CA372940195.
Genomic context (GRCh38, chr9:13,193,269, plus strand): 5'-AACAGGACCCTCTGGTAGAACAGATCGGATAAAATGATGTCCCACTGTCGCTTCCAGGCT[T>C]ATCCCCAATCCACTGTTCTCACTAAACTTGCTCACATGGGCCACCTGAAAAGAAAAAAAA-3'
Protein context (NP_001365707.1, residues 557-577): SKFSENSGLG[Ile567Met]SLEATVGHHF

ClinVar aggregate classification (germline): Uncertain significance (1 of 4 stars; one submission).

Allele frequency attached by ClinVar (database versions not stated): gnomAD exomes below 0.00001; gnomAD 0.00001; TOPMed 0.00001.
gnomAD v4.1: 6 of 1,612,326 alleles (0.00037%); highest among the groups gnomAD compares: Middle Eastern, 0.033%; no homozygotes.

Submission:

Labcorp Genetics (formerly Invitae), Labcorp
Classification: Uncertain significance. Last evaluated: 2023-08-18. Review status: criteria provided, single submitter. Criteria: Invitae Variant Classification Sherloc (09022015). Collection method: clinical testing. Allele origin: germline.
Comment: This sequence change replaces isoleucine, which is neutral and non-polar, with methionine, which is neutral and non-polar, at codon 567 of the MPDZ protein (p.Ile567Met). This variant is not present in population databases (gnomAD no frequency). In summary, the available evidence is currently insufficient to determine the role of this variant in disease. Therefore, it has been classified as a Variant of Uncertain Significance. An algorithm developed to predict the effect of missense changes on protein structure and function (PolyPhen-2) suggests that this variant is likely to be disruptive. ClinVar contains an entry for this variant (Variation ID: 1378113). This variant has not been reported in the literature in individuals affected with MPDZ-related conditions.